The following is an entry in ClinVar:

NM_000234.3(LIG1):c.2005-10G>A

Gene: LIG1 (DNA ligase 1; minus strand). Cytogenetic location: 19q13.33.
Variant type: single nucleotide variant.
Coding change: c.2005-10G>A on transcript NM_000234.3 (MANE Select); 10 bases into the intron before coding-DNA position 2005, G replaced by A.
Molecular consequence: intron variant.
Genome position (GRCh38, 1-based): chr19:48,123,328, C>T on the plus strand (G>A on the coding strand, the complement: LIG1 is on the minus strand). VCF-style: chr19-48123328-C-T. GRCh37 (hg19) VCF-style: chr19-48626585-C-T.
Other names: c.1912-10G>A (NM_001289063.2); c.1915-10G>A (NM_001320971.2); c.1801-10G>A (NM_001289064.2); c.2002-10G>A (NM_001320970.2).
Identifiers: ClinVar variation 3623635 (VCV003623635.2).

ClinVar aggregate classification (germline): Uncertain significance (1 of 4 stars; one submission).

gnomAD v4.1: 32 of 1,612,308 alleles (0.002%); highest among the groups gnomAD compares: Non-Finnish European, 0.0024%; no homozygotes.

Submission:

Labcorp Genetics (formerly Invitae), Labcorp
Classification: Uncertain significance. Last evaluated: 2024-10-06. Review status: criteria provided, single submitter. Criteria: Invitae Variant Classification Sherloc (09022015). Collection method: clinical testing. Allele origin: germline.
Comment: This sequence change falls in intron 21 of the LIG1 gene. It does not directly change the encoded amino acid sequence of the LIG1 protein. This variant is present in population databases (rs767020971, gnomAD 0.005%). This variant has not been reported in the literature in individuals affected with LIG1-related conditions. Algorithms developed to predict the effect of sequence changes on RNA splicing suggest that this variant may disrupt the consensus splice site. In summary, the available evidence is currently insufficient to determine the role of this variant in disease. Therefore, it has been classified as a Variant of Uncertain Significance.